The following is an entry in ClinVar:

NM_022051.3(EGLN1):c.539G>C (p.Arg180Pro)

Gene: EGLN1 (egl-9 family hypoxia inducible factor 1; minus strand). Cytogenetic location: 1q42.2.
Variant type: single nucleotide variant.
Coding change: c.539G>C on transcript NM_022051.3 (MANE Select); coding-DNA position 539, G replaced by C.
Protein change: p.Arg180Pro; replaces arginine 180 with proline.
Molecular consequence: missense variant.
Genome position (GRCh38, 1-based): chr1:231,421,350, C>G on the plus strand (G>C on the coding strand, the complement: EGLN1 is on the minus strand). VCF-style: chr1-231421350-C-G. GRCh37 (hg19) VCF-style: chr1-231557096-C-G.
Other names: c.539G>C, p.Arg180Pro (NM_001377260.1, NM_001377261.1); short protein forms R180P.
Identifiers: ClinVar variation 1747276 (VCV001747276.3), dbSNP rs528520765, ClinGen allele CA1453150.

ClinVar aggregate classification (germline): Uncertain significance (1 of 4 stars; one submission).

Allele frequency attached by ClinVar (database versions not stated): TOPMed 0.00001.

Submission:

Ambry Genetics
Classification: Uncertain significance. Last evaluated: 2024-07-23. Review status: criteria provided, single submitter. Criteria: Ambry Variant Classification Scheme 2023. Collection method: clinical testing. Allele origin: germline.
Comment: The p.R180P variant (also known as c.539G>C), located in coding exon 1 of the EGLN1 gene, results from a G to C substitution at nucleotide position 539. The arginine at codon 180 is replaced by proline, an amino acid with dissimilar properties. This amino acid position is conserved. In addition, this alteration is predicted to be tolerated by in silico analysis. Since supporting evidence is limited at this time, the clinical significance of this alteration remains unclear.